The following is an entry in ClinVar:

NM_001008212.2(OPTN):c.359G>A (p.Arg120Lys)

Genes: OPTN (optineurin; plus strand), LOC108903148 (10p13 OPTN distal Alu-mediated recombination region; plus strand). Cytogenetic location: 10p13.
Variant type: single nucleotide variant.
Coding change: c.359G>A on transcript NM_001008212.2 (MANE Select); coding-DNA position 359, G replaced by A.
Protein change: p.Arg120Lys; replaces arginine 120 with lysine.
Molecular consequence: missense variant.
Genome position (GRCh38, 1-based): chr10:13,110,466, G>A. VCF-style: chr10-13110466-G-A. GRCh37 (hg19) VCF-style: chr10-13152466-G-A.
Other names: c.359G>A, p.Arg120Lys (NM_001008211.1, NM_001008213.1, NM_021980.4); short protein forms R120K.
Identifiers: ClinVar variation 878705 (VCV000878705.6), dbSNP rs1832971194, ClinGen allele CA376027738.

ClinVar aggregate classification (germline): Uncertain significance. Review status: criteria provided, multiple submitters, no conflicts (2 of 4 stars). 3 submissions from 2 submitters: Uncertain significance (3). Last evaluated 2022-04-25.

Conditions:
Primary open angle glaucoma (POAG). Also called: OPTN-related open angle glaucoma. Identifiers: MedGen C0339573, MONDO:0100553, OMIM 137760.
Inborn genetic diseases. Identifiers: MedGen C0950123, MeSH D030342.
Amyotrophic lateral sclerosis type 12 (ALS12). Also called: AMYOTROPHIC LATERAL SCLEROSIS 12 WITH OR WITHOUT FRONTOTEMPORAL DEMENTIA. Identifiers: Orphanet 803, MedGen C3150692, MONDO:0013264, OMIM 613435.

Allele frequency attached by ClinVar (database versions not stated): gnomAD exomes below 0.00001.
gnomAD v4.1: 2 of 1,613,032 alleles (0.00012%); highest among the groups gnomAD compares: Non-Finnish European, 0.00017%; no homozygotes.

Submissions (3):

Ambry Genetics
Classification: Uncertain significance for Inborn genetic diseases. Last evaluated: 2022-04-25. Review status: criteria provided, single submitter. Criteria: Ambry Variant Classification Scheme 2023. Collection method: clinical testing. Allele origin: germline.
Comment: The p.R120K variant (also known as c.359G>A), located in coding exon 2 of the OPTN gene, results from a G to A substitution at nucleotide position 359. The arginine at codon 120 is replaced by lysine, an amino acid with highly similar properties. This amino acid position is conserved. In addition, this alteration is predicted to be tolerated by in silico analysis. Since supporting evidence is limited at this time, the clinical significance of this alteration remains unclear.

Illumina Laboratory Services, Illumina
Classification: Uncertain significance for Amyotrophic lateral sclerosis type 12. Last evaluated: 2018-01-13. Review status: criteria provided, single submitter. Criteria: ICSL Variant Classification Criteria 13 December 2019. Collection method: clinical testing. Allele origin: germline.

Illumina Laboratory Services, Illumina
Classification: Uncertain significance for Primary open angle glaucoma. Last evaluated: 2018-01-13. Review status: criteria provided, single submitter. Criteria: ICSL Variant Classification Criteria 13 December 2019. Collection method: clinical testing. Allele origin: germline.